The following is an entry in ClinVar:

NM_030667.3(PTPRO):c.2165-5C>A

Gene: PTPRO (protein tyrosine phosphatase receptor type O; plus strand). Cytogenetic location: 12p12.3.
Variant type: single nucleotide variant.
Coding change: c.2165-5C>A on transcript NM_030667.3 (MANE Select); 5 bases into the intron before coding-DNA position 2165, C replaced by A.
Molecular consequence: intron variant.
Genome position (GRCh38, 1-based): chr12:15,546,564, C>A. VCF-style: chr12-15546564-C-A. GRCh37 (hg19) VCF-style: chr12-15699498-C-A.
Other names: p.?; c.2165-5C>A (NM_002848.4).
Identifiers: ClinVar variation 1316449 (VCV001316449.13), dbSNP rs76233597, ClinGen allele CA6466754.

ClinVar aggregate classification (germline): Benign/Likely benign. Review status: criteria provided, multiple submitters, no conflicts (2 of 4 stars). 5 submissions from 5 submitters: Benign (2); Likely benign (3). Last evaluated 2026-01-27.

Allele frequency attached by ClinVar (database versions not stated): gnomAD 0.02072 and 0.02053; gnomAD exomes 0.02238 and 0.02949; ESP Exome Variant Server 0.02249; ExAC 0.04760; 1000 Genomes Project 30x 0.01249; 1000 Genomes Project 0.01258.
gnomAD v4.1: 45,739 of 1,595,860 alleles (2.9%); highest among the groups gnomAD compares: Middle Eastern, 3.6%; 797 homozygotes.

Submissions 1 to 34 of 58:

Labcorp Genetics (formerly Invitae), Labcorp
Classification: Benign. Last evaluated: 2026-01-27. Review status: criteria provided, single submitter. Criteria: Invitae Variant Classification Sherloc (09022015). Collection method: clinical testing. Allele origin: germline.

Blueprint Genetics
Classification: Likely benign. Last evaluated: 2024-11-27. Review status: criteria provided, single submitter. Criteria: ACMG Guidelines, 2015. Collection method: clinical testing. Allele origin: germline.

Mayo Clinic Laboratories, Mayo Clinic
Classification: Benign. Last evaluated: 2023-01-18. Review status: criteria provided, single submitter. Criteria: ACMG Guidelines, 2015. Collection method: clinical testing. Allele origin: germline. Observed: 8 variant alleles.
Comment: BS1, BS2, BP4, BP7

GeneDx
Classification: Likely benign. Last evaluated: 2021-01-17. Review status: criteria provided, single submitter. Criteria: GeneDx Variant Classification Process June 2021. Collection method: clinical testing. Allele origin: germline. Affected: yes.

Breakthrough Genomics
Classification: Likely benign. Review status: criteria provided, single submitter. Criteria: ACMG Guidelines, 2015. Collection method: not provided. Allele origin: germline. Inheritance: Autosomal recessive inheritance. Affected: yes.

Dr. Peter K. Rogan Lab, Western University
No classification provided (evidence only). Condition: Gastric cancer. Review status: no classification provided. Collection method: in vitro. Allele origin: not applicable. Functional consequence: retained intron. Not counted in ClinVar's aggregate classification.

Dr. Peter K. Rogan Lab, Western University
No classification provided (evidence only). Condition: Gastric cancer. Review status: no classification provided. Collection method: in vitro. Allele origin: not applicable. Functional consequence: retained intron. Not counted in ClinVar's aggregate classification.

Dr. Peter K. Rogan Lab, Western University
No classification provided (evidence only). Condition: Gastric cancer. Review status: no classification provided. Collection method: in vitro. Allele origin: not applicable. Functional consequence: retained intron. Not counted in ClinVar's aggregate classification.

Dr. Peter K. Rogan Lab, Western University
No classification provided (evidence only). Condition: Gastric cancer. Review status: no classification provided. Collection method: in vitro. Allele origin: not applicable. Functional consequence: retained intron. Not counted in ClinVar's aggregate classification.

Dr. Peter K. Rogan Lab, Western University
No classification provided (evidence only). Condition: Adrenocortical carcinoma, hereditary. Review status: no classification provided. Collection method: in vitro. Allele origin: not applicable. Functional consequence: retained intron. Not counted in ClinVar's aggregate classification.

Dr. Peter K. Rogan Lab, Western University
No classification provided (evidence only). Condition: Adrenocortical carcinoma, hereditary. Review status: no classification provided. Collection method: in vitro. Allele origin: not applicable. Functional consequence: retained intron. Not counted in ClinVar's aggregate classification.

Dr. Peter K. Rogan Lab, Western University
No classification provided (evidence only). Condition: Malignant tumor of esophagus. Review status: no classification provided. Collection method: in vitro. Allele origin: not applicable. Functional consequence: retained intron. Not counted in ClinVar's aggregate classification.

Dr. Peter K. Rogan Lab, Western University
No classification provided (evidence only). Condition: Malignant tumor of esophagus. Review status: no classification provided. Collection method: in vitro. Allele origin: not applicable. Functional consequence: retained intron. Not counted in ClinVar's aggregate classification.

Dr. Peter K. Rogan Lab, Western University
No classification provided (evidence only). Condition: Malignant tumor of esophagus. Review status: no classification provided. Collection method: in vitro. Allele origin: not applicable. Functional consequence: retained intron. Not counted in ClinVar's aggregate classification.

Dr. Peter K. Rogan Lab, Western University
No classification provided (evidence only). Condition: Malignant tumor of esophagus. Review status: no classification provided. Collection method: in vitro. Allele origin: not applicable. Functional consequence: retained intron. Not counted in ClinVar's aggregate classification.

Dr. Peter K. Rogan Lab, Western University
No classification provided (evidence only). Condition: Malignant tumor of esophagus. Review status: no classification provided. Collection method: in vitro. Allele origin: not applicable. Functional consequence: retained intron. Not counted in ClinVar's aggregate classification.

Dr. Peter K. Rogan Lab, Western University
No classification provided (evidence only). Condition: Clear cell carcinoma of kidney. Review status: no classification provided. Collection method: in vitro. Allele origin: not applicable. Functional consequence: retained intron. Not counted in ClinVar's aggregate classification.

Dr. Peter K. Rogan Lab, Western University
No classification provided (evidence only). Condition: Clear cell carcinoma of kidney. Review status: no classification provided. Collection method: in vitro. Allele origin: not applicable. Functional consequence: retained intron. Not counted in ClinVar's aggregate classification.

Dr. Peter K. Rogan Lab, Western University
No classification provided (evidence only). Condition: Clear cell carcinoma of kidney. Review status: no classification provided. Collection method: in vitro. Allele origin: not applicable. Functional consequence: retained intron. Not counted in ClinVar's aggregate classification.

Dr. Peter K. Rogan Lab, Western University
No classification provided (evidence only). Condition: Clear cell carcinoma of kidney. Review status: no classification provided. Collection method: in vitro. Allele origin: not applicable. Functional consequence: retained intron. Not counted in ClinVar's aggregate classification.

Dr. Peter K. Rogan Lab, Western University
No classification provided (evidence only). Condition: Clear cell carcinoma of kidney. Review status: no classification provided. Collection method: in vitro. Allele origin: not applicable. Functional consequence: retained intron. Not counted in ClinVar's aggregate classification.

Dr. Peter K. Rogan Lab, Western University
No classification provided (evidence only). Condition: Clear cell carcinoma of kidney. Review status: no classification provided. Collection method: in vitro. Allele origin: not applicable. Functional consequence: retained intron. Not counted in ClinVar's aggregate classification.

Dr. Peter K. Rogan Lab, Western University
No classification provided (evidence only). Condition: Acute myeloid leukemia. Review status: no classification provided. Collection method: in vitro. Allele origin: not applicable. Functional consequence: retained intron. Not counted in ClinVar's aggregate classification.

Dr. Peter K. Rogan Lab, Western University
No classification provided (evidence only). Condition: Acute myeloid leukemia. Review status: no classification provided. Collection method: in vitro. Allele origin: not applicable. Functional consequence: retained intron. Not counted in ClinVar's aggregate classification.

Dr. Peter K. Rogan Lab, Western University
No classification provided (evidence only). Condition: Acute myeloid leukemia. Review status: no classification provided. Collection method: in vitro. Allele origin: not applicable. Functional consequence: retained intron. Not counted in ClinVar's aggregate classification.

Dr. Peter K. Rogan Lab, Western University
No classification provided (evidence only). Condition: Acute myeloid leukemia. Review status: no classification provided. Collection method: in vitro. Allele origin: not applicable. Functional consequence: retained intron. Not counted in ClinVar's aggregate classification.

Dr. Peter K. Rogan Lab, Western University
No classification provided (evidence only). Condition: Colon adenocarcinoma. Review status: no classification provided. Collection method: in vitro. Allele origin: not applicable. Functional consequence: retained intron. Not counted in ClinVar's aggregate classification.

Dr. Peter K. Rogan Lab, Western University
No classification provided (evidence only). Condition: Colon adenocarcinoma. Review status: no classification provided. Collection method: in vitro. Allele origin: not applicable. Functional consequence: retained intron. Not counted in ClinVar's aggregate classification.

Dr. Peter K. Rogan Lab, Western University
No classification provided (evidence only). Condition: Colon adenocarcinoma. Review status: no classification provided. Collection method: in vitro. Allele origin: not applicable. Functional consequence: retained intron. Not counted in ClinVar's aggregate classification.

Dr. Peter K. Rogan Lab, Western University
No classification provided (evidence only). Condition: Colon adenocarcinoma. Review status: no classification provided. Collection method: in vitro. Allele origin: not applicable. Functional consequence: retained intron. Not counted in ClinVar's aggregate classification.

Dr. Peter K. Rogan Lab, Western University
No classification provided (evidence only). Condition: Colon adenocarcinoma. Review status: no classification provided. Collection method: in vitro. Allele origin: not applicable. Functional consequence: retained intron. Not counted in ClinVar's aggregate classification.

Dr. Peter K. Rogan Lab, Western University
No classification provided (evidence only). Condition: Colon adenocarcinoma. Review status: no classification provided. Collection method: in vitro. Allele origin: not applicable. Functional consequence: retained intron. Not counted in ClinVar's aggregate classification.

Dr. Peter K. Rogan Lab, Western University
No classification provided (evidence only). Condition: Colon adenocarcinoma. Review status: no classification provided. Collection method: in vitro. Allele origin: not applicable. Functional consequence: retained intron. Not counted in ClinVar's aggregate classification.

Dr. Peter K. Rogan Lab, Western University
No classification provided (evidence only). Condition: Colon adenocarcinoma. Review status: no classification provided. Collection method: in vitro. Allele origin: not applicable. Functional consequence: retained intron. Not counted in ClinVar's aggregate classification.